The following is an entry in ClinVar:

ClinVar aggregate classification (germline): Uncertain significance (1 of 4 stars; one submission).

Submission:

Labcorp Genetics (formerly Invitae), Labcorp
Classification: Uncertain significance. Last evaluated: 2021-04-23. Review status: criteria provided, single submitter. Criteria: Invitae Variant Classification Sherloc (09022015). Collection method: clinical testing. Allele origin: germline.
Comment: This variant is not present in population databases (ExAC no frequency). This sequence change creates a premature translational stop signal (p.Asp345Valfs*74) in the TUBA8 gene. While this is not anticipated to result in nonsense mediated decay, it is expected to disrupt the last 105 amino acid(s) of the TUBA8 protein. This variant has not been reported in the literature in individuals with TUBA8-related conditions. Experimental studies and prediction algorithms are not available or were not evaluated, and the functional significance of this variant is currently unknown. In summary, the available evidence is currently insufficient to determine the role of this variant in disease. Therefore, it has been classified as a Variant of Uncertain Significance.

NM_018943.3(TUBA8):c.1034_1038del (p.Asp345fs)

Gene: TUBA8 (tubulin alpha 8; plus strand). Cytogenetic location: 22q11.21.
Variant type: Deletion.
Coding change: c.1034_1038del on transcript NM_018943.3 (MANE Select); coding-DNA positions 1034 to 1038, 5 bases deleted (ACTGG; older notation c.1034_1038delACTGG).
Protein change: p.Asp345fs; shifts the reading frame from aspartic acid 345.
Molecular consequence: frameshift variant.
Genome position (GRCh38, 1-based): chr22:18,127,012-18,127,016, ACTGG deleted; deleting any 5 consecutive bases within chr22:18,127,011-18,127,016 gives the same sequence; the c. name uses the placement nearest the transcript's 3' end. VCF-style (leftmost placement, unchanged base first): chr22-18127010-AGACTG-A. GRCh37 (hg19) VCF-style: chr22-18609777-AGACTG-A.
Other names: c.836_840del, p.Asp279fs (NM_001193414.2); short protein forms D279fs, D345fs.
Identifiers: ClinVar variation 1485161 (VCV001485161.8), dbSNP rs2123706387, ClinGen allele CA2573157557.
Genomic context (GRCh38, chr22:18,127,010, plus strand): 5'-GCCCAAGGATGTGAATGTCGCTATTGCTGCCATCAAGACCAAGAGGACCATCCAGTTTGT[AGACTG>A]GTGTCCCACAGGCTTCAAGGTGAGAGCTGATGACTTAGGAAGGGGAGAGAGGACTAGAGA-3'